The following is an entry in ClinVar:

ClinVar aggregate classification (germline): Uncertain significance. Review status: criteria provided, single submitter (1 of 4 stars). 2 submissions from 2 submitters: Uncertain significance (1). 1 of the submissions does not count toward it. Last evaluated 2021-09-14.

Conditions:
SEMA3G-related disorder. Also called: SEMA3G-related condition.

Allele frequency attached by ClinVar (database versions not stated): gnomAD exomes 0.00005; gnomAD 0.00013; TOPMed 0.00020; ExAC 0.00023; 1000 Genomes Project 0.00060; 1000 Genomes Project 30x 0.00062.
gnomAD v4.1: 84 of 1,292,896 alleles (0.0065%); highest among the groups gnomAD compares: Middle Eastern, 0.088%; no homozygotes.

Submissions (2):

Ambry Genetics
Classification: Uncertain significance. Last evaluated: 2021-09-14. Review status: criteria provided, single submitter. Criteria: Ambry Variant Classification Scheme 2023. Collection method: clinical testing. Allele origin: germline.

PreventionGenetics, part of Exact Sciences
Classification: Likely benign for SEMA3G-related condition. Last evaluated: 2022-10-06. Review status: no assertion criteria provided. Collection method: clinical testing. Allele origin: germline. Not counted in ClinVar's aggregate classification.
Comment: This variant is classified as likely benign based on ACMG/AMP sequence variant interpretation guidelines (Richards et al. 2015 PMID: 25741868, with internal and published modifications).

NM_020163.3(SEMA3G):c.43C>T (p.Leu15Phe)

Gene: SEMA3G (semaphorin 3G; minus strand). Cytogenetic location: 3p21.1.
Variant type: single nucleotide variant.
Coding change: c.43C>T on transcript NM_020163.3 (MANE Select); coding-DNA position 43, C replaced by T.
Protein change: p.Leu15Phe; replaces leucine 15 with phenylalanine.
Molecular consequence: missense variant.
Genome position (GRCh38, 1-based): chr3:52,444,985, G>A on the plus strand (C>T on the coding strand, the complement: SEMA3G is on the minus strand). VCF-style: chr3-52444985-G-A. GRCh37 (hg19) VCF-style: chr3-52479001-G-A.
Other names: c.43C>T (NM_020163.2); short protein forms L15F.
Identifiers: ClinVar variation 2403718 (VCV002403718.4), dbSNP rs569817739, ClinGen allele CA2438460.